The following is an entry in ClinVar:

ClinVar aggregate classification (germline): Benign/Likely benign. Review status: criteria provided, multiple submitters, no conflicts (2 of 4 stars). 7 submissions from 7 submitters: Benign (5); Likely benign (2). Last evaluated 2026-01-24.

Allele frequency attached by ClinVar (database versions not stated): gnomAD exomes 0.00030 and 0.00086; ExAC 0.00117; gnomAD 0.00310 and 0.00330; ESP Exome Variant Server 0.00346; TOPMed 0.00355; 1000 Genomes Project 30x 0.00453; 1000 Genomes Project 0.00459.
gnomAD v4.1: 935 of 1,614,192 alleles (0.058%); highest among the groups gnomAD compares: African/African-American, 1.1%; 5 homozygotes.

Submissions (7):

Labcorp Genetics (formerly Invitae), Labcorp
Classification: Benign. Last evaluated: 2026-01-24. Review status: criteria provided, single submitter. Criteria: Invitae Variant Classification Sherloc (09022015). Collection method: clinical testing. Allele origin: germline.

Mayo Clinic Laboratories, Mayo Clinic
Classification: Likely benign. Last evaluated: 2025-06-09. Review status: criteria provided, single submitter. Criteria: ACMG Guidelines, 2015. Collection method: clinical testing. Allele origin: germline. Observed: 2 variant alleles.
Comment: BA1, BP4, BP7

Blueprint Genetics
Classification: Likely benign. Last evaluated: 2024-10-16. Review status: criteria provided, single submitter. Criteria: ACMG Guidelines, 2015. Collection method: clinical testing. Allele origin: germline.

GeneDx
Classification: Benign. Last evaluated: 2019-12-31. Review status: criteria provided, single submitter. Criteria: GeneDx Variant Classification Process June 2021. Collection method: clinical testing. Allele origin: germline. Affected: yes.

Laboratory for Molecular Medicine, Mass General Brigham Personalized Medicine
Classification: Benign. Last evaluated: 2012-05-07. Review status: criteria provided, single submitter. Criteria: LMM Criteria. Collection method: clinical testing. Allele origin: germline. Observed: 4 variant alleles.
Comment: "Gly657Gly in Exon 15 of TJP2: This variant is not expected to have clinical sig nificance because it does not alter an amino acid residue, is not located within the splice consensus sequence, and has been identified in 1.0% (39/3738) of Afr ican American chromosomes from a broad population by the NHLBI Exome Sequencing Project (dbSNP rs111723895)."

Breakthrough Genomics
Classification: Benign. Review status: criteria provided, single submitter. Criteria: ACMG Guidelines, 2015. Collection method: not provided. Allele origin: germline. Inheritance: Autosomal recessive inheritance. Affected: yes.

PreventionGenetics, part of Exact Sciences
Classification: Benign. Review status: criteria provided, single submitter. Criteria: ACMG Guidelines, 2015. Collection method: clinical testing. Allele origin: germline.

NM_004817.4(TJP2):c.2040G>A (p.Gly680=)

Gene: TJP2 (tight junction protein 2; plus strand). Cytogenetic location: 9q21.11.
Variant type: single nucleotide variant.
Coding change: c.2040G>A on transcript NM_004817.4 (MANE Select); coding-DNA position 2040, G replaced by A.
Protein change: p.Gly680=; no amino-acid change (glycine 680 retained).
Molecular consequence: synonymous variant.
Genome position (GRCh38, 1-based): chr9:69,236,997, G>A. VCF-style: chr9-69236997-G-A. GRCh37 (hg19) VCF-style: chr9-71851913-G-A.
Other names: p.Gly680=; c.1971G>A, p.Gly657= (NM_001170414.2, NM_001369871.1); c.2052G>A, p.Gly684= (NM_001170415.1, NM_001369874.1, NM_001369875.1); c.2133G>A, p.Gly711= (NM_001170416.2); c.1965G>A, p.Gly655= (NM_001369870.1); c.2040G>A, p.Gly680= (NM_001369872.1, NM_001369873.1, NM_201629.3).
Identifiers: ClinVar variation 44096 (VCV000044096.20), dbSNP rs111723895, ClinGen allele CA133555.